The following is an entry in ClinVar:

ClinVar aggregate classification (germline): Uncertain significance (1 of 4 stars; one submission).

Conditions:
EGFR-related lung cancer (EGFR). Identifiers: MedGen CN130014.

Submission:

Labcorp Genetics (formerly Invitae), Labcorp
Classification: Uncertain significance for EGFR-related lung cancer. Last evaluated: 2024-05-26. Review status: criteria provided, single submitter. Criteria: Invitae Variant Classification Sherloc (09022015). Collection method: clinical testing. Allele origin: germline.
Comment: This sequence change creates a premature translational stop signal (p.Ser1162Lysfs*5) in the EGFR gene. While this is not anticipated to result in nonsense mediated decay, it is expected to disrupt the last 49 amino acid(s) of the EGFR protein. This variant is not present in population databases (gnomAD no frequency). This variant has not been reported in the literature in individuals affected with EGFR-related conditions. Experimental studies and prediction algorithms are not available or were not evaluated, and the functional significance of this variant is currently unknown. In summary, the available evidence is currently insufficient to determine the role of this variant in disease. Therefore, it has been classified as a Variant of Uncertain Significance.

NM_005228.5(EGFR):c.3484dup (p.Ser1162fs)

Gene: EGFR (epidermal growth factor receptor; plus strand). Cytogenetic location: 7p11.2.
Variant type: Duplication.
Coding change: c.3484dup on transcript NM_005228.5 (MANE Select); coding-DNA position 3484, one base duplicated (A; older notation c.3484dupA).
Protein change: p.Ser1162fs; shifts the reading frame from serine 1162.
Molecular consequence: frameshift variant.
Genome position (GRCh38, 1-based): chr7:55,205,468, A duplicated. VCF-style (leftmost placement, unchanged base first): chr7-55205467-C-CA. GRCh37 (hg19) VCF-style: chr7-55273160-C-CA.
Other names: c.3349dup, p.Ser1117fs (NM_001346899.2); c.3325dup, p.Ser1109fs (NM_001346900.2); c.2683dup, p.Ser895fs (NM_001346941.2); short protein forms S1117fs, S1162fs, S895fs, S1109fs.
Identifiers: ClinVar variation 3654603 (VCV003654603.2).